The following is an entry in ClinVar:

NM_006231.4(POLE):c.3524del (p.Asn1175fs)

Gene: POLE (DNA polymerase epsilon, catalytic subunit; minus strand). Cytogenetic location: 12q24.33.
Variant type: Deletion.
Coding change: c.3524del on transcript NM_006231.4 (MANE Select); coding-DNA position 3524, one base deleted (A; older notation c.3524delA).
Protein change: p.Asn1175fs; shifts the reading frame from asparagine 1175.
Molecular consequence: frameshift variant.
Genome position (GRCh38, 1-based): chr12:132,657,194, T deleted on the plus strand (A on the coding strand, the reverse complement: POLE is on the minus strand); the first of 2 consecutive T bases (chr12:132,657,194-132,657,195); deleting either gives the same sequence. VCF-style (leftmost placement, unchanged base first): chr12-132657193-AT-A. GRCh37 (hg19) VCF-style: chr12-133233779-AT-A.
Other names: short protein forms N1175fs.
Identifiers: ClinVar variation 2818209 (VCV002818209.3), dbSNP rs2541998998, ClinGen allele CA2739277431.
Genomic context (GRCh38, chr12:132,657,193, plus strand): 5'-CACCTGTCTCCTGCCCTCCAGGGTGAAGAGCTCACTGATCTTCTTCTGCTTGTAGACATC[AT>A]TCTTCTCCAGCAGTTTTTTGTGCAGCCAGTCGGGGTGTTTGACACGTGGCACTGGGTTCT-3'

ClinVar aggregate classification (germline): Pathogenic (1 of 4 stars; one submission).

Submission:

Labcorp Genetics (formerly Invitae), Labcorp
Classification: Pathogenic. Last evaluated: 2022-12-03. Review status: criteria provided, single submitter. Criteria: Invitae Variant Classification Sherloc (09022015). Collection method: clinical testing. Allele origin: germline.
Comment: This variant has not been reported in the literature in individuals affected with POLE-related conditions. This variant is not present in population databases (gnomAD no frequency). This sequence change creates a premature translational stop signal (p.Asn1175Metfs*44) in the POLE gene. It is expected to result in an absent or disrupted protein product. Loss-of-function variants in POLE are known to be pathogenic (PMID: 23230001, 25948378, 30503519). For these reasons, this variant has been classified as Pathogenic.

Literature cited by the submitters: PubMed 23230001; PubMed 25948378; PubMed 30503519.